The following is an entry in ClinVar:

NM_030631.4(SLC25A21):c.438+6C>A

Gene: SLC25A21 (solute carrier family 25 member 21; minus strand). Cytogenetic location: 14q13.3.
Variant type: single nucleotide variant.
Coding change: c.438+6C>A on transcript NM_030631.4 (MANE Select); 6 bases into the intron after coding-DNA position 438, C replaced by A.
Molecular consequence: intron variant.
Genome position (GRCh38, 1-based): chr14:36,725,564, G>T on the plus strand (C>A on the coding strand, the complement: SLC25A21 is on the minus strand). VCF-style: chr14-36725564-G-T. GRCh37 (hg19) VCF-style: chr14-37194769-G-T.
Other names: c.438+6C>A (NM_001171170.2).
Identifiers: ClinVar variation 2907687 (VCV002907687.3), dbSNP rs532466256, ClinGen allele CA7159303.

ClinVar aggregate classification (germline): Uncertain significance (1 of 4 stars; one submission).

Allele frequency attached by ClinVar (database versions not stated): TOPMed below 0.00001; ExAC 0.00001; gnomAD 0.00001; 1000 Genomes Project 30x 0.00016; 1000 Genomes Project 0.00020.

Submission:

Labcorp Genetics (formerly Invitae), Labcorp
Classification: Uncertain significance. Last evaluated: 2023-05-24. Review status: criteria provided, single submitter. Criteria: Invitae Variant Classification Sherloc (09022015). Collection method: clinical testing. Allele origin: germline.
Comment: In summary, the available evidence is currently insufficient to determine the role of this variant in disease. Therefore, it has been classified as a Variant of Uncertain Significance. Variants that disrupt the consensus splice site are a relatively common cause of aberrant splicing (PMID: 17576681, 9536098). Algorithms developed to predict the effect of sequence changes on RNA splicing suggest that this variant is not likely to affect RNA splicing. This variant has not been reported in the literature in individuals affected with SLC25A21-related conditions. This variant is present in population databases (rs532466256, gnomAD 0.001%). This sequence change falls in intron 6 of the SLC25A21 gene. It does not directly change the encoded amino acid sequence of the SLC25A21 protein. It affects a nucleotide within the consensus splice site.

Literature cited by the submitters: PubMed 17576681; PubMed 9536098.